The following continues an entry in ClinVar:

NM_001048174.2(MUTYH):c.452A>G (p.Tyr151Cys)

Gene: MUTYH. ClinVar aggregate classification (germline): Pathogenic/Likely pathogenic. Pathogenic (52); Likely pathogenic (2).

Submissions 20 to 34 of 74:

Mayo Clinic Laboratories, Mayo Clinic
Classification: Pathogenic. Last evaluated: 2024-06-10. Review status: criteria provided, single submitter. Criteria: ACMG Guidelines, 2015. Collection method: clinical testing. Allele origin: germline.
Comment: PP1_strong, PP4, PM3_very_strong, PS3_supporting, PS4_moderate

Baylor Genetics
Classification: Pathogenic for Familial adenomatous polyposis 2. Last evaluated: 2024-03-29. Review status: criteria provided, single submitter. Criteria: ACMG Guidelines, 2015. Collection method: clinical testing. Allele origin: unknown.

Institute for Biomarker Research, Medical Diagnostic Laboratories, L.L.C.
Classification: Likely pathogenic for Hereditary cancer-predisposing syndrome. Last evaluated: 2024-03-05. Review status: criteria provided, single submitter. Criteria: ACMG Guidelines, 2015. Collection method: clinical testing. Allele origin: germline.

Clinical Genetics Laboratory, Skane University Hospital Lund
Classification: Pathogenic. Last evaluated: 2024-02-26. Review status: criteria provided, single submitter. Criteria: ACMG Guidelines, 2015. Collection method: clinical testing. Allele origin: germline. Affected: yes.

Molecular Genetics, Royal Melbourne Hospital
Classification: Pathogenic for Familial adenomatous polyposis 2. Last evaluated: 2023-11-05. Review status: criteria provided, single submitter. Criteria: ACMG Guidelines, 2015. Collection method: clinical testing. Allele origin: germline. Inheritance: Autosomal recessive inheritance. Affected: no.
Comment: This sequence change in MUTYH is predicted to replace tyrosine with cysteine at codon 151, p.(Tyr151Cys). This variant has been reported as Y179C and Y165C in literature. The tyrosine residue is highly conserved (100 vertebrates, UCSC), and is located in the nudix hydrolase domain. There is a large physicochemical difference between tyrosine and cysteine. The highest population minor allele frequency in the population database gnomAD v2.1 is 0.23% (323/129,154 alleles) in the European non-Finnish population. This variant is one of the common European founder variants and has been reported in multiple affected individuals with MUTYH-associated polyposis (PMID: 23361220; 11818965; 37469678; 35218514). The reported individuals were either homozygous or compound heterozygous for the variant. The variant has been reported to segregate in multiple affected individuals with MUTYH-associated polyposis and colorectal cancer from unrelated families (PMID: 23361220; 11818965). An in vitro functional assay showed decreased DNA glycosylase activity in the mutant vector indicating that this variant impacts protein function (PMID: 20848659). Computational evidence predicts a deleterious effect for the missense substitution (REVEL = 0.963). Based on the classification scheme RMH Modified ACMG/AMP Guidelines v1.6.1, this variant is classified as PATHOGENIC. Following criteria are met: PM3_VeryStrong; PP1_Strong; PP3_Moderate; PS3_Supporting

Institute for Genomic Medicine (IGM) Clinical Laboratory, Nationwide Children's Hospital
Classification: Pathogenic for Familial adenomatous polyposis 2. Last evaluated: 2023-06-09. Review status: criteria provided, single submitter. Criteria: ACMG Guidelines, 2015. Collection method: clinical testing. Allele origin: germline.
Comment: Well-established functional studies have demonstrated this variant to have a damaging effect on protein function or splicing (ACMG/AMP: PS3; PMIDs:18534194, 11818965, 19953527, 20848659). This variant has been reported at an elevated frequency in affected individuals/in multiple affected individuals in the literature (ACMG/AMP: PS4; PMIDs:23035301, 19032956, 19245865, 11818965, 21063410). This variant is absent from or present at an exceedingly low frequency in gnomAD, a large-scale control population database (ACMG/AMP: PM2). This variant has been observed in trans with a pathogenic variant (ACMG/AMP: PM3). This variant is predicted to alter protein function or structure, or disrupt splicing by multiple in silico tools (ACMG/AMP: PP3).

Women's Health and Genetics/Laboratory Corporation of America, LabCorp
Classification: Pathogenic for Familial adenomatous polyposis 2. Last evaluated: 2023-02-14. Review status: criteria provided, single submitter. Criteria: LabCorp Variant Classification Summary - May 2015. Collection method: clinical testing. Allele origin: germline.
Comment: Variant summary: MUTYH c.536A>G (p.Tyr179Cys) results in a non-conservative amino acid change located in the HhH-GPD domain (IPR003265) of the encoded protein sequence. Five of five in-silico tools predict a damaging effect of the variant on protein function. The variant allele was found at a frequency of 0.0015 in 251454 control chromosomes. This frequency is not significantly higher than expected for a pathogenic variant in MUTYH causing MUTYH-Associated Polyposis (0.0015 vs 0.0046), allowing no conclusion about variant significance. c.536A>G has been reported in the literature in many individuals affected with MUTYH-Associated Polyposis (e.g., Kanter-Smoler, Nielsen_2005). These data indicate that the variant is very likely to be associated with disease. Several publications report experimental evidence evaluating an impact on protein function, finding that the variant causes loss of protein function, resulting in defective DNA-binding and glycosylase activities (e.g., Komine_2015, Ali_2008). 38 ClinVar submitters (evaluation after 2014) have cited the variant, and all laboratories classified the variant as pathogenic/likely pathogenic. Based on the evidence outlined above, the variant was classified as pathogenic.

Human Genetics Bochum, Ruhr University Bochum
Classification: Pathogenic for Familial adenomatous polyposis 2. Last evaluated: 2022-09-20. Review status: criteria provided, single submitter. Criteria: ACMG Guidelines, 2015. Collection method: clinical testing. Allele origin: germline. Affected: yes.
Comment: ACMG criteria used to clasify this variant: PS3, PS4, PP3, PP1

MGZ Medical Genetics Center
Classification: Pathogenic for Familial adenomatous polyposis 2. Last evaluated: 2022-07-29. Review status: criteria provided, single submitter. Criteria: ACMG Guidelines, 2015. Collection method: clinical testing. Allele origin: germline. Affected: yes. Observed: 16 variant alleles.
Comment: ACMG criteria applied: PM3_VSTR, PS3, PS4_MOD, PM2_SUP, PP1, PP3

Department of Pathology and Laboratory Medicine, Sinai Health System
Classification: Pathogenic for Familial adenomatous polyposis 2. Last evaluated: 2022-06-20. Review status: criteria provided, single submitter. Criteria: ACMG Guidelines, 2015. Collection method: research. Allele origin: germline.

Genetics and Molecular Pathology, SA Pathology
Classification: Pathogenic for Familial adenomatous polyposis 2. Last evaluated: 2022-04-19. Review status: criteria provided, single submitter. Criteria: ACMG Guidelines, 2015. Collection method: clinical testing. Allele origin: germline. Inheritance: Autosomal recessive inheritance. Affected: yes.
Comment: The heterozygous variant c.536A>G detected in exon 7 of the MUTYH gene is a missense change resulting in an amino acid substitution from a Tyrosine to a Cysteine at codon 179, p.(Tyr179Cys). This variant has been reported multiple times in both LOVD and ClinVar databases as pathogenic. This variant is one of the common MUTYH pathogenic founder mutations in European populations, which has been reported to co-segregate with colorectal cancer and MUTYH-associated polyposis (MAP) (Aretz et al, Eur J Hum Genet (2014) 22(7):923-9 and Theodoratou et al, British Journal of Cancer (2010) 103(12):1875-84). In populations of European origin, the missense variants p.(Tyr179Cys) and p.(Gly396Asp) account for up to 80% of MUTYH variants identified in MAP patients (Sieber et al, N Engl J Med (2003) 348(9):791-9; Kanter-Smoler et al, Clin Gastroenterol Hepatol (2006) 4(4):499-506 and Aretz et al, Eur J Hum Genet (2014) 22(7):923-9). In healthy controls from different populations, the allele frequencies for this variant range from 0.04 to 0.4% (Aretz et al, Eur J Hum Genet (2014) 22(7):923-9). Functional studies have shown that this missense change disrupts MUTYH protein function (Parker et al, Carcinogenesis, (2005) 26(11):2010-18; Mohsin et al, Gastroentorology (2008) 135(2):499-507 and Ruggieri et al, Oncogene (2013) 32(38):4500-8). Based on current knowledge, this is a pathogenic (Class 5) variant.

Fulgent Genetics
Classification: Pathogenic for Familial adenomatous polyposis 2; Gastric cancer. Last evaluated: 2022-03-15. Review status: criteria provided, single submitter. Criteria: ACMG Guidelines, 2015. Collection method: clinical testing. Allele origin: unknown.

Sema4
Classification: Pathogenic for Hereditary cancer-predisposing syndrome. Last evaluated: 2022-03-07. Review status: criteria provided, single submitter. Criteria: Sema4 Curation Guidelines. Collection method: curation. Allele origin: germline.
Comment: The MUTYH c.536A>G (p.Y179C) variant is a well-known pathogenic variant associated with autosomal recessive MUTYH-associated polyposis. This variant, also known as c.494A>G (p.Y165C), was observed in 323/129154 chromosomes in the Non-Finnish European population, with no homozygotes, in the large and broad cohorts of the Genome Aggregation Database (PMID: 32461654). It has been reported as homozygous or compound heterozygous with other pathogenic MUTYH variants in multiple individuals with colorectal cancer and polyposis (PMID: 19732775, 19032956, 23035301). In addition, this variant has been reported to co-segregate with disease in several families (PMID: 118118965, 12606733, 16557584, 17489848, 19793053). Functional studies have shown that this variant alters MUTYH protein function (PMID: 19836313, 20418187). Monoallelic carriers of this variant have shown a slightly increased risk for colorectal cancer (PMID: 19394335, 21063410, 24444654). The variant has been reported in ClinVar (Variation ID: 5293). Based on the current evidence available, this variant is interpreted as pathogenic.

AiLife Diagnostics
Classification: Pathogenic. Last evaluated: 2022-02-02. Review status: criteria provided, single submitter. Criteria: ACMG Guidelines, 2015. Collection method: clinical testing. Allele origin: germline. Affected: yes. Observed: 1 variant allele.

Baylor Genetics
Classification: Pathogenic for Familial adenomatous polyposis 2. Last evaluated: 2022-01-25. Review status: criteria provided, single submitter. Criteria: ACMG Guidelines, 2015. Collection method: clinical testing. Allele origin: maternal. Affected: yes. Study: CSER-TexasKidsCanSeq.
Comment: This variant was determined to be pathogenic according to ACMG Guidelines, 2015 [PMID:25741868].